The following is an entry in ClinVar:

ClinVar aggregate classification (germline): Uncertain significance (1 of 4 stars; one submission).

Conditions:
Arrhythmogenic right ventricular dysplasia 11. Also called: ARRHYTHMOGENIC RIGHT VENTRICULAR DYSPLASIA, FAMILIAL, 11; Arrhythmogenic Right Ventricular Dysplasia/Cardiomyopathy11; Arrhythmogenic right ventricular dysplasia 11 with mild palmoplantar keratoderma and woolly hair. Identifiers: MedGen C1864850, MONDO:0012506, OMIM 610476.

gnomAD v4.1: 1 of 1,613,936 alleles (0.000062%); highest among the groups gnomAD compares: Non-Finnish European, 0.000085%; no homozygotes.

Submission:

Labcorp Genetics (formerly Invitae), Labcorp
Classification: Uncertain significance for Arrhythmogenic right ventricular dysplasia 11. Last evaluated: 2026-01-10. Review status: criteria provided, single submitter. Criteria: Invitae Variant Classification Sherloc (09022015). Collection method: clinical testing. Allele origin: germline.
Comment: This sequence change replaces aspartic acid, which is acidic and polar, with glycine, which is neutral and non-polar, at codon 380 of the DSC2 protein (p.Asp380Gly). This variant is not present in population databases (gnomAD no frequency). This variant has not been reported in the literature in individuals affected with DSC2-related conditions. Invitae Evidence Modeling of protein sequence and biophysical properties (such as structural, functional, and spatial information, amino acid conservation, physicochemical variation, residue mobility, and thermodynamic stability) indicates that this missense variant is expected to disrupt DSC2 protein function with a positive predictive value of 80%. Algorithms developed to predict the effect of sequence changes on RNA splicing suggest that this variant may create or strengthen a splice site. In summary, the available evidence is currently insufficient to determine the role of this variant in disease. Therefore, it has been classified as a Variant of Uncertain Significance.

NM_024422.6(DSC2):c.1139A>G (p.Asp380Gly)

Gene: DSC2 (desmocollin 2; minus strand). Cytogenetic location: 18q12.1.
Variant type: single nucleotide variant.
Coding change: c.1139A>G on transcript NM_024422.6 (MANE Select); coding-DNA position 1139, A replaced by G.
Protein change: p.Asp380Gly; replaces aspartic acid 380 with glycine.
Molecular consequence: missense variant.
Genome position (GRCh38, 1-based): chr18:31,082,362, T>C on the plus strand (A>G on the coding strand, the complement: DSC2 is on the minus strand). VCF-style: chr18-31082362-T-C. GRCh37 (hg19) VCF-style: chr18-28662328-T-C.
Other names: c.710A>G, p.Asp237Gly (NM_001406506.1, NM_001406507.1); c.1139A>G, p.Asp380Gly (NM_004949.5); short protein forms D237G, D380G.
Identifiers: ClinVar variation 4724719 (VCV004724719.1).
Genomic context (GRCh38, chr18:31,082,362, plus strand): 5'-TCATTGCCCTTTAAAATGGTATAATTAGCTCTCCAGTTAGCAGTATTCACTAAGTCCTTA[T>C]CCTCAACAGTAACTCGTAAGATTTCCACATCAACTGTATTTTCTTCCACTGATGTCACAT-3'
Protein context (NP_077740.1, residues 370-390): DVEILRVTVE[Asp380Gly]KDLVNTANWR